The following is an entry in ClinVar:

ClinVar aggregate classification (germline): Pathogenic/Likely pathogenic. Review status: criteria provided, multiple submitters, no conflicts (2 of 4 stars). 5 submissions from 5 submitters: Pathogenic (1); Likely pathogenic (4). Last evaluated 2025-08-21.

Conditions:
SMAD3-related disorder. Also called: SMAD3-related condition.
Familial thoracic aortic aneurysm and aortic dissection (TAAD). Also called: Thoracic aortic aneurysms and dissections. Identifiers: Orphanet 91387, MedGen C4707243, MONDO:0019625.

Allele frequency attached by ClinVar (database versions not stated): gnomAD exomes below 0.00001.
gnomAD v4.1: 1 of 1,614,046 alleles (0.000062%); highest among the groups gnomAD compares: Non-Finnish European, 0.000085%; no homozygotes.

Submissions (5):

Labcorp Genetics (formerly Invitae), Labcorp
Classification: Pathogenic for Familial thoracic aortic aneurysm and aortic dissection. Last evaluated: 2025-08-21. Review status: criteria provided, single submitter. Criteria: Invitae Variant Classification Sherloc (09022015). Collection method: clinical testing. Allele origin: germline.
Comment: This sequence change replaces glycine, which is neutral and non-polar, with arginine, which is basic and polar, at codon 245 of the SMAD3 protein (p.Gly245Arg). This variant is not present in population databases (gnomAD no frequency). This missense change has been observed in individuals with clinical features of SMAD3-related conditions (PMID: 24804794, 29444731; 29444731 internal data, internal data). It has also been observed to segregate with disease in related individuals. ClinVar contains an entry for this variant (Variation ID: 213762). Invitae Evidence Modeling incorporating data from in vitro experimental studies (internal data) indicates that this missense variant is expected to disrupt SMAD3 function with a positive predictive value of 95%. This variant disrupts the p.Gly245 amino acid residue in SMAD3. Other variant(s) that disrupt this residue have been observed in individuals with SMAD3-related conditions (internal data), which suggests that this may be a clinically significant amino acid residue. For these reasons, this variant has been classified as Pathogenic.

Color Diagnostics, LLC DBA Color Health
Classification: Likely pathogenic for Familial thoracic aortic aneurysm and aortic dissection. Last evaluated: 2025-07-11. Review status: criteria provided, single submitter. Criteria: ACMG Guidelines, 2015. Collection method: clinical testing. Allele origin: germline.
Comment: This missense variant replaces glycine with arginine at codon 245 in the MH2 protein interaction domain of the SMAD3 protein. Computational prediction suggests that this variant may have a deleterious impact on protein structure and function. To our knowledge, functional studies have not been reported for this variant. This variant has been reported in individuals affected with thoracic aortic aneurysm and dissection, and has been shown to segregate with disease in affected family members (PMID: 24804794, 30661052, 35830949ClinVar# 213762). This variant has not been identified in the general population by the Genome Aggregation Database (gnomAD). Based on the available evidence, this variant is classified as Likely Pathogenic.

GeneDx
Classification: Likely pathogenic. Last evaluated: 2025-07-08. Review status: criteria provided, single submitter. Criteria: GeneDx Variant Classification Process June 2021. Collection method: clinical testing. Allele origin: germline. Affected: yes.
Comment: Not observed at significant frequency in large population cohorts (gnomAD); In silico analysis supports that this missense variant has a deleterious effect on protein structure/function; This variant is associated with the following publications: (PMID: 26221609, 28185953, 35830949, 30661052, 29444731, 32917565, 24804794)

Ambry Genetics
Classification: Likely pathogenic for Familial thoracic aortic aneurysm and aortic dissection. Last evaluated: 2022-12-13. Review status: criteria provided, single submitter. Criteria: Ambry Variant Classification Scheme 2023. Collection method: clinical testing. Allele origin: germline.
Comment: The p.G245R variant (also known as c.733G>A), located in coding exon 6 of the SMAD3 gene, results from a G to A substitution at nucleotide position 733. The glycine at codon 245 is replaced by arginine, an amino acid with dissimilar properties. This alteration has been detected in multiple individuals with SMAD3-related phenotypes and has been reported to segregate with disease in a small number of affected relatives (Hostetler EM et al. J. Med. Genet., 2019 Apr;56:252-260; Ambry internal data; GeneDx pers. comm.; Invitae pers. comm.). Internal structural analysis indicates that this variant causes a significant decrease in SMAD3 structural stability (Qin BY et al. Genes Dev. 2002 Aug;16(15):1950-63; Ambry internal data). A different alteration located at the same position, resulting in the same protein change, c.733G>C (p.G245R), has been reported in an individual with aortic root dilation (Arroyave J et al. Cardiol Young, 2018;28:765-767). This variant is considered to be rare based on population cohorts in the Genome Aggregation Database (gnomAD). This missense alteration is located in a region that has a low rate of benign missense variation (Lek M et al. Nature. 2016 Aug 18;536(7616):285-91; DECIPHER: Database of Chromosomal Imbalance and Phenotype in Humans using Ensembl Resources. Firth H.V. et al. 2009. Am.J.Hum.Genet. 84, 524-533 (DOI)). This amino acid position is highly conserved in available vertebrate species. In addition, this alteration is predicted to be deleterious by in silico analysis. Based on the majority of available evidence to date, this variant is likely to be pathogenic.

Blueprint Genetics
Classification: Likely pathogenic for SMAD3-related disorders. Last evaluated: 2018-04-17. Review status: criteria provided, single submitter. Criteria: ACMG Guidelines, 2015. Collection method: clinical testing. Allele origin: germline. Affected: yes. Observed: 1 variant allele.

Literature cited by the submitters: PubMed 24804794 (cited by 3 submitters); PubMed 29444731 (cited by Labcorp Genetics (formerly Invitae), Labcorp); PubMed 30661052 (cited by Color Diagnostics, LLC DBA Color Health and Ambry Genetics); PubMed 35830949 (cited by Color Diagnostics, LLC DBA Color Health).

NM_005902.4(SMAD3):c.733G>A (p.Gly245Arg)

Gene: SMAD3 (SMAD family member 3; plus strand). Cytogenetic location: 15q22.33.
Variant type: single nucleotide variant.
Coding change: c.733G>A on transcript NM_005902.4 (MANE Select); coding-DNA position 733, G replaced by A.
Protein change: p.Gly245Arg; replaces glycine 245 with arginine.
Molecular consequence: missense variant.
Genome position (GRCh38, 1-based): chr15:67,181,315, G>A. VCF-style: chr15-67181315-G-A. GRCh37 (hg19) VCF-style: chr15-67473653-G-A.
Other names: p.G245R:GGG>AGG; c.418G>A, p.Gly140Arg (NM_001145102.2); c.601G>A, p.Gly201Arg (NM_001145103.2); c.148G>A, p.Gly50Arg (NM_001145104.2); short protein forms G245R, G140R, G50R, G201R.
Identifiers: ClinVar variation 213762 (VCV000213762.23), dbSNP rs863223737, ClinGen allele CA323714.